The following is an entry in ClinVar:

NM_012208.4(HARS2):c.1403G>C (p.Gly468Ala)

Gene: HARS2 (histidyl-tRNA synthetase 2, mitochondrial; plus strand). Cytogenetic location: 5q31.3.
Variant type: single nucleotide variant.
Coding change: c.1403G>C on transcript NM_012208.4 (MANE Select); coding-DNA position 1403, G replaced by C.
Protein change: p.Gly468Ala; replaces glycine 468 with alanine.
Molecular consequence: missense variant.
Genome position (GRCh38, 1-based): chr5:140,698,020, G>C. VCF-style: chr5-140698020-G-C. GRCh37 (hg19) VCF-style: chr5-140077605-G-C.
Other names: c.1328G>C, p.Gly443Ala (NM_001278731.2); c.971G>C, p.Gly324Ala (NM_001278732.2); c.1421G>C, p.Gly474Ala (NM_001363535.2); c.1193G>C, p.Gly398Ala (NM_001363536.2); short protein forms G324A, G398A, G443A, G468A, G474A.
Identifiers: ClinVar variation 1185124 (VCV001185124.3), dbSNP rs748402163, ClinGen allele CA3444698.

ClinVar aggregate classification (germline): Likely pathogenic. Review status: criteria provided, single submitter (1 of 4 stars). 2 submissions from 2 submitters: Likely pathogenic (1). 1 of the submissions does not count toward it.

Conditions:
Perrault syndrome 2 (PRLTS2). Identifiers: Orphanet 2855, Orphanet 642976, MedGen C3554105, MONDO:0013972, OMIM 614926.

Allele frequency attached by ClinVar (database versions not stated): gnomAD exomes below 0.00001; ExAC 0.00001.

Submissions (2):

Precision Medicine Center, Zhengzhou University
Classification: Likely pathogenic for Perrault syndrome 2. Review status: criteria provided, single submitter. Criteria: ACMG Guidelines, 2015. Collection method: research. Allele origin: germline. Affected: yes.
Comment: This variant has been found in two patients, and it is absent in gnomAD, and REVEL SCORE >0.773

WangQJ Lab, Chinese People's Liberation Army General Hospital
Classification: Uncertain significance for Perrault syndrome 2. Last evaluated: 2021-07-01. Review status: no assertion criteria provided. Collection method: clinical testing. Allele origin: paternal. Not counted in ClinVar's aggregate classification.

Literature cited by the submitters: PubMed 34416374 (cited by Precision Medicine Center, Zhengzhou University); doi: 10.12376/j.issn.2097-0501.2022.03.008 (cited by Precision Medicine Center, Zhengzhou University).